The following is an entry in ClinVar:

ClinVar aggregate classification (germline): Uncertain significance (1 of 4 stars; one submission).

Allele frequency attached by ClinVar (database versions not stated): gnomAD exomes 0.00001 and 0.00008; ExAC 0.00011; ESP Exome Variant Server 0.00016; gnomAD 0.00016 and 0.00018; TOPMed 0.00022; 1000 Genomes Project 0.00120; 1000 Genomes Project 30x 0.00141.
gnomAD v4.1: 49 of 1,614,060 alleles (0.003%); highest among the groups gnomAD compares: African/African-American, 0.039%; no homozygotes.

Submission:

Labcorp Genetics (formerly Invitae), Labcorp
Classification: Uncertain significance. Last evaluated: 2022-11-29. Review status: criteria provided, single submitter. Criteria: Invitae Variant Classification Sherloc (09022015). Collection method: clinical testing. Allele origin: germline.
Comment: ClinVar contains an entry for this variant (Variation ID: 837116). In summary, the available evidence is currently insufficient to determine the role of this variant in disease. Therefore, it has been classified as a Variant of Uncertain Significance. Algorithms developed to predict the effect of missense changes on protein structure and function output the following: SIFT: "Tolerated"; PolyPhen-2: "Benign"; Align-GVGD: "Class C0". The lysine amino acid residue is found in multiple mammalian species, which suggests that this missense change does not adversely affect protein function. This variant has not been reported in the literature in individuals affected with PCARE-related conditions. This variant is present in population databases (rs201436352, gnomAD 0.07%). This sequence change replaces glutamine, which is neutral and polar, with lysine, which is basic and polar, at codon 562 of the PCARE protein (p.Gln562Lys).

NM_001029883.3(PCARE):c.1684C>A (p.Gln562Lys)

Gene: PCARE (photoreceptor cilium actin regulator; minus strand). Cytogenetic location: 2p23.2.
Variant type: single nucleotide variant.
Coding change: c.1684C>A on transcript NM_001029883.3 (MANE Select); coding-DNA position 1684, C replaced by A.
Protein change: p.Gln562Lys; replaces glutamine 562 with lysine.
Molecular consequence: missense variant.
Genome position (GRCh38, 1-based): chr2:29,072,578, G>T on the plus strand (C>A on the coding strand, the complement: PCARE is on the minus strand). VCF-style: chr2-29072578-G-T. GRCh37 (hg19) VCF-style: chr2-29295444-G-T.
Other names: short protein forms Q562K.
Identifiers: ClinVar variation 837116 (VCV000837116.7), dbSNP rs201436352, ClinGen allele CA1592375.
Genomic context (GRCh38, chr2:29,072,578, plus strand): 5'-TTACCGTGCTAGGTCTTGGGGGGACCACTGTCCTCCCCTCCTCCTCCTCAGACCAGTCCT[G>T]GTGCCCACAGGGCACAGGGACAAACTTGATCCTTTCGCTGATTGACTCCTTCATCTTCAG-3'
Protein context (NP_001025054.1, residues 552-572): IKFVPVPCGH[Gln562Lys]DWSEEEEGRT